The following is an entry in ClinVar:

NM_207361.6(FREM2):c.4206_4209del (p.Asn1403fs)

Gene: FREM2 (FRAS1 related extracellular matrix 2; plus strand). Cytogenetic location: 13q13.3.
Variant type: Deletion.
Coding change: c.4206_4209del on transcript NM_207361.6 (MANE Select); coding-DNA positions 4206 to 4209, 4 bases deleted (AAAT; older notation c.4206_4209delAAAT).
Protein change: p.Asn1403fs; shifts the reading frame from asparagine 1403.
Molecular consequence: frameshift variant.
Genome position (GRCh38, 1-based): chr13:38,691,550-38,691,553, AAAT deleted; deleting any 4 consecutive bases within chr13:38,691,547-38,691,553 gives the same sequence; the c. name uses the placement nearest the transcript's 3' end. VCF-style (leftmost placement, unchanged base first): chr13-38691546-GAATA-G. GRCh37 (hg19) VCF-style: chr13-39265683-GAATA-G.
Other names: short protein forms N1403fs.
Identifiers: ClinVar variation 2855929 (VCV002855929.3), dbSNP rs2541360374, ClinGen allele CA2739277591.
Genomic context (GRCh38, chr13:38,691,546, plus strand): 5'-AGTATGTCCATTTGGGGCAAGAGGGCATTCGGGACCTAATTAAATTTGATGTGACTGATG[GAATA>G]AATCCCCTCATAGATCGTTACTTTTATGTGTCCATCGGGAGCATTGACATTGTCTTCCCT-3'

ClinVar aggregate classification (germline): Pathogenic (1 of 4 stars; one submission).

Submission:

Labcorp Genetics (formerly Invitae), Labcorp
Classification: Pathogenic. Last evaluated: 2023-04-13. Review status: criteria provided, single submitter. Criteria: Invitae Variant Classification Sherloc (09022015). Collection method: clinical testing. Allele origin: germline.
Comment: This sequence change creates a premature translational stop signal (p.Asn1403Profs*3) in the FREM2 gene. It is expected to result in an absent or disrupted protein product. Loss-of-function variants in FREM2 are known to be pathogenic (PMID: 18203166, 26552811). This variant is not present in population databases (gnomAD no frequency). This variant has not been reported in the literature in individuals affected with FREM2-related conditions. For these reasons, this variant has been classified as Pathogenic.

Literature cited by the submitters: PubMed 18203166; PubMed 26552811.